The following is an entry in ClinVar:

ClinVar aggregate classification (germline): Benign/Likely benign. Review status: criteria provided, multiple submitters, no conflicts (2 of 4 stars). 5 submissions from 5 submitters: Benign (1); Likely benign (4). Last evaluated 2026-04-01.

Allele frequency attached by ClinVar (database versions not stated): gnomAD 0.00019; gnomAD exomes 0.00023 and 0.00107; 1000 Genomes Project 30x 0.00047; TOPMed 0.00047; 1000 Genomes Project 0.00060; ExAC 0.00088.
gnomAD v4.1: 361 of 1,614,118 alleles (0.022%); highest among the groups gnomAD compares: Admixed American, 0.51%; 2 homozygotes.

Submissions (5):

CeGaT Center for Human Genetics Tuebingen
Classification: Likely benign. Last evaluated: 2026-04-01. Review status: criteria provided, single submitter. Criteria: CeGaT Center For Human Genetics Tuebingen Variant Classification Criteria Version 2. Collection method: clinical testing. Allele origin: germline. Affected: yes. Observed: 2 variant alleles.
Comment: CILK1: BP4, BP7

Labcorp Genetics (formerly Invitae), Labcorp
Classification: Benign. Last evaluated: 2025-12-22. Review status: criteria provided, single submitter. Criteria: Invitae Variant Classification Sherloc (09022015). Collection method: clinical testing. Allele origin: germline.

ARUP Laboratories, Molecular Genetics and Genomics, ARUP Laboratories
Classification: Likely benign. Last evaluated: 2025-07-02. Review status: criteria provided, single submitter. Criteria: ARUP Molecular Germline Variant Investigation Process 2024. Collection method: clinical testing. Allele origin: germline.

Blueprint Genetics
Classification: Likely benign. Last evaluated: 2024-10-14. Review status: criteria provided, single submitter. Criteria: ACMG Guidelines, 2015. Collection method: clinical testing. Allele origin: germline.

Eurofins Ntd Llc (ga)
Classification: Likely benign. Last evaluated: 2015-02-05. Review status: criteria provided, single submitter. Criteria: EGL Classification Definitions 2015. Collection method: clinical testing. Allele origin: germline. Observed: 1 variant allele, 1 heterozygote.

NM_014920.5(CILK1):c.555G>A (p.Ala185=)

Gene: CILK1 (ciliogenesis associated kinase 1; minus strand). Cytogenetic location: 6p12.1.
Variant type: single nucleotide variant.
Coding change: c.555G>A on transcript NM_014920.5 (MANE Select); coding-DNA position 555, G replaced by A.
Protein change: p.Ala185=; no amino-acid change (alanine 185 retained).
Molecular consequence: synonymous variant. On other transcripts: non-coding transcript variant (1).
Genome position (GRCh38, 1-based): chr6:53,018,438, C>T on the plus strand (G>A on the coding strand, the complement: CILK1 is on the minus strand). VCF-style: chr6-53018438-C-T. GRCh37 (hg19) VCF-style: chr6-52883236-C-T.
Other names: c.555G>A, p.Ala185= (NM_001375397.1, NM_001375398.1, NM_001375399.1 and 4 more transcripts).
Identifiers: ClinVar variation 198881 (VCV000198881.32), dbSNP rs138668959, ClinGen allele CA203658.